The following is an entry in ClinVar:

ClinVar aggregate classification (germline): Likely pathogenic (1 of 4 stars; one submission).

gnomAD v4.1: 1 of 1,599,270 alleles (0.000063%); highest among the groups gnomAD compares: Non-Finnish European, 0.000085%; no homozygotes.

Submission:

GeneDx
Classification: Likely pathogenic. Last evaluated: 2026-02-18. Review status: criteria provided, single submitter. Criteria: GeneDx Variant Classification Process June 2021. Collection method: clinical testing. Allele origin: germline.
Comment: Nonsense variant predicted to result in protein truncation or nonsense mediated decay in a gene for which loss of function is a known mechanism of disease; Not observed at significant frequency in large population cohorts (gnomAD); Has not been previously published as pathogenic or benign to our knowledge

NM_014991.6(WDFY3):c.6781C>T (p.Arg2261Ter)

Gene: WDFY3 (WD repeat and FYVE domain containing 3; minus strand). Cytogenetic location: 4q21.23.
Variant type: single nucleotide variant.
Coding change: c.6781C>T on transcript NM_014991.6 (MANE Select); coding-DNA position 6781, C replaced by T.
Protein change: p.Arg2261Ter; replaces arginine 2261 with a stop codon.
Molecular consequence: nonsense.
Genome position (GRCh38, 1-based): chr4:84,736,304, G>A on the plus strand (C>T on the coding strand, the complement: WDFY3 is on the minus strand). VCF-style: chr4-84736304-G-A. GRCh37 (hg19) VCF-style: chr4-85657457-G-A.
Other names: short protein forms R2261*.
Identifiers: ClinVar variation 4891349 (VCV004891349.1).